The following is an entry in ClinVar:

NM_022166.4(XYLT1):c.2192C>G (p.Pro731Arg)

Gene: XYLT1 (xylosyltransferase 1; minus strand). Cytogenetic location: 16p12.3.
Variant type: single nucleotide variant.
Coding change: c.2192C>G on transcript NM_022166.4 (MANE Select); coding-DNA position 2192, C replaced by G.
Protein change: p.Pro731Arg; replaces proline 731 with arginine.
Molecular consequence: missense variant.
Genome position (GRCh38, 1-based): chr16:17,127,697, G>C on the plus strand (C>G on the coding strand, the complement: XYLT1 is on the minus strand). VCF-style: chr16-17127697-G-C. GRCh37 (hg19) VCF-style: chr16-17221554-G-C.
Other names: short protein forms P731R.
Identifiers: ClinVar variation 2074415 (VCV002074415.4), dbSNP rs1356203446, ClinGen allele CA395218939.

ClinVar aggregate classification (germline): Uncertain significance (1 of 4 stars; one submission).

Conditions:
Desbuquois dysplasia 1 (DBQD1). Also called: DESBUQUOIS DYSPLASIA 1, KIM VARIANT; MICROMELIC DWARFISM WITH VERTEBRAL AND METAPHYSEAL ABNORMALITIES AND ADVANCED CARPOTARSAL OSSIFICATION. Identifiers: Orphanet 1425, MedGen C4012146, MONDO:0009629, OMIM 251450.

gnomAD v4.1: 2 of 1,614,136 alleles (0.00012%); highest among the groups gnomAD compares: Admixed American, 0.0033%; no homozygotes.

Submission:

Labcorp Genetics (formerly Invitae), Labcorp
Classification: Uncertain significance for Desbuquois dysplasia 1. Last evaluated: 2022-07-05. Review status: criteria provided, single submitter. Criteria: Invitae Variant Classification Sherloc (09022015). Collection method: clinical testing. Allele origin: germline.
Comment: In summary, the available evidence is currently insufficient to determine the role of this variant in disease. Therefore, it has been classified as a Variant of Uncertain Significance. Algorithms developed to predict the effect of missense changes on protein structure and function are either unavailable or do not agree on the potential impact of this missense change (SIFT: "Deleterious"; PolyPhen-2: "Probably Damaging"; Align-GVGD: "Class C0"). This variant has not been reported in the literature in individuals affected with XYLT1-related conditions. This variant is present in population databases (no rsID available, gnomAD 0.006%). This sequence change replaces proline, which is neutral and non-polar, with arginine, which is basic and polar, at codon 731 of the XYLT1 protein (p.Pro731Arg).